The following is an entry in ClinVar:

NM_002382.5(MAX):c.63+7C>T

Gene: MAX (MYC associated transcriptional regulator X; minus strand). Cytogenetic location: 14q23.3.
Variant type: single nucleotide variant.
Coding change: c.63+7C>T on transcript NM_002382.5 (MANE Select); 7 bases into the intron after coding-DNA position 63, C replaced by T.
Molecular consequence: intron variant.
Genome position (GRCh38, 1-based): chr14:65,101,539, G>A on the plus strand (C>T on the coding strand, the complement: MAX is on the minus strand). VCF-style: chr14-65101539-G-A. GRCh37 (hg19) VCF-style: chr14-65568257-G-A.
Other names: c.36+765C>T (NM_001271069.2, NM_145112.3, NM_001271068.2); c.63+7C>T (NM_197957.4, NM_145113.3, NM_145114.3); c.-212+7C>T (NM_001320415.2).
Identifiers: ClinVar variation 1673369 (VCV001673369.9), dbSNP rs761752335, ClinGen allele CA7232991.
Genomic context (GRCh38, chr14:65,101,539, plus strand): 5'-CTCTCTGACCCCAAAAAGGAATAGAACTGAACGGAAATAAAAATGAAATGGAGAGTAGGA[G>A]ACGTACCGCAGATTGAAACCTCGGTTGCTCTTCCTGGAATAAGAGAGAAAAAAAAAAATA-3'

ClinVar aggregate classification (germline): Likely benign. Review status: criteria provided, multiple submitters, no conflicts (2 of 4 stars). 2 submissions from 2 submitters: Likely benign (2). Last evaluated 2026-06-05.

Conditions:
Pheochromocytoma. Also called: MAX-Related Hereditary Paraganglioma-Pheochromocytoma Syndrome. Identifiers: Orphanet 29072, MedGen C0031511, MONDO:0008233, OMIM 171300, HP:0002666.
Hereditary pheochromocytoma and paraganglioma. Also called: Hereditary Paraganglioma-Pheochromocytoma Syndromes; Hereditary pheochromocytoma-paraganglioma; Hereditary paragangliomas and pheochromocytomas. Identifiers: Orphanet 29072, MedGen C4274332, MONDO:0017366.

Allele frequency attached by ClinVar (database versions not stated): ExAC 0.00001; gnomAD exomes below 0.00001.
gnomAD v4.1: 1 of 1,608,812 alleles (0.000062%); highest among the groups gnomAD compares: Non-Finnish European, 0.000085%; no homozygotes.

Submissions (2):

Myriad Genetics, Inc.
Classification: Likely benign for Pheochromocytoma. Last evaluated: 2026-06-05. Review status: criteria provided, single submitter. Criteria: Myriad Autosomal Dominant, Autosomal Recessive and X-Linked Classification Criteria (2023). Collection method: clinical testing. Allele origin: unknown.
Comment: This variant is considered likely benign. This variant is intronic and is not expected to impact mRNA splicing.

Labcorp Genetics (formerly Invitae), Labcorp
Classification: Likely benign for Hereditary pheochromocytoma and paraganglioma. Last evaluated: 2025-08-25. Review status: criteria provided, single submitter. Criteria: Invitae Variant Classification Sherloc (09022015). Collection method: clinical testing. Allele origin: germline.